The following is an entry in ClinVar:

ClinVar aggregate classification (germline): Uncertain significance (1 of 4 stars; one submission).

Conditions:
Peroxisome biogenesis disorder 8B (PBD8B). Identifiers: Orphanet 44, MedGen C3553960, MONDO:0013943, OMIM 614877.

Submission:

3billion
Classification: Uncertain significance for Peroxisome biogenesis disorder 8B. Last evaluated: 2024-11-27. Review status: criteria provided, single submitter. Criteria: ACMG Guidelines, 2015. Collection method: clinical testing. Allele origin: germline. Affected: yes.
Comment: The variant is not observed in the gnomAD v4.1.0 dataset. Predicted Consequence/Location: Missense variant. The majority of the known disease-causing variants of this gene are variants expected to result in premature termination of the protein. In silico tool predictions suggest damaging effect of the variant on gene or gene product [REVEL: 0.66 (>=0.6, sensitivity 0.68 and specificity 0.92); 3Cnet: 0.88 (>=0.6, sensitivity 0.72 and precision 0.9)]. Therefore, this variant is classified as VUS according to the recommendation of ACMG/AMP guideline.

NM_004813.4(PEX16):c.871T>A (p.Tyr291Asn)

Gene: PEX16 (peroxisomal biogenesis factor 16; minus strand). Cytogenetic location: 11p11.2.
Variant type: single nucleotide variant.
Coding change: c.871T>A on transcript NM_004813.4 (MANE Select); coding-DNA position 871, T replaced by A.
Protein change: p.Tyr291Asn; replaces tyrosine 291 with asparagine.
Molecular consequence: missense variant.
Genome position (GRCh38, 1-based): chr11:45,913,835, A>T on the plus strand (T>A on the coding strand, the complement: PEX16 is on the minus strand). VCF-style: chr11-45913835-A-T. GRCh37 (hg19) VCF-style: chr11-45935386-A-T.
Other names: c.871T>A, p.Tyr291Asn (NM_057174.3); short protein forms Y291N.
Identifiers: ClinVar variation 4293443 (VCV004293443.1).
Genomic context (GRCh38, chr11:45,913,835, plus strand): 5'-GCTTGCCAGCCCTCTCCCTGGCTCAGGGTGTCCTGGGTGCTTACTCGGAGAAGCGGTCAT[A>T]GAAAGGAGAGCGCAGCAGGTAGTAGAGCAGCAGGATGGTCCGGCGCCGCAGCTCCCGCCG-3'
Protein context (NP_004804.2, residues 281-301): LLYYLLRSPF[Tyr291Asn]DRFSEARILF